The following is an entry in ClinVar:

NM_000536.4(RAG2):c.803A>G (p.Asn268Ser)

Gene: RAG2 (recombination activating 2; minus strand). Cytogenetic location: 11p12.
Variant type: single nucleotide variant.
Coding change: c.803A>G on transcript NM_000536.4 (MANE Select); coding-DNA position 803, A replaced by G.
Protein change: p.Asn268Ser; replaces asparagine 268 with serine.
Molecular consequence: missense variant.
Genome position (GRCh38, 1-based): chr11:36,593,366, T>C on the plus strand (A>G on the coding strand, the complement: RAG2 is on the minus strand). VCF-style: chr11-36593366-T-C. GRCh37 (hg19) VCF-style: chr11-36614916-T-C.
Other names: c.803A>G, p.Asn268Ser (NM_001243785.2, NM_001243786.2); short protein forms N268S.
Identifiers: ClinVar variation 877896 (VCV000877896.8), dbSNP rs368935791, ClinGen allele CA5950523.

ClinVar aggregate classification (germline): Uncertain significance. Review status: criteria provided, multiple submitters, no conflicts (2 of 4 stars). 4 submissions from 3 submitters: Uncertain significance (4). Last evaluated 2025-08-31.

Conditions:
Inborn genetic diseases. Identifiers: MedGen C0950123, MeSH D030342.
Histiocytic medullary reticulosis. Also called: Omenn syndrome; SEVERE COMBINED IMMUNODEFICIENCY WITH HYPEREOSINOPHILIA. Identifiers: Orphanet 39041, MedGen C2700553, MONDO:0011338, OMIM 603554.
Combined immunodeficiency with skin granulomas. Identifiers: Orphanet 157949, MedGen C2673536, MONDO:0009306, OMIM 233650.
Severe combined immunodeficiency, autosomal recessive, T cell-negative, B cell-negative, NK cell-positive. Also called: Severe combined immunodeficiency due to complete RAG1/2 deficiency; SCID, AR, T-cell negative, B-cell negative, NK cell-positive; SCID, T CELL-NEGATIVE, B CELL-NEGATIVE, NK CELL-POSITIVE. Identifiers: Orphanet 331206, MedGen C1832322, MONDO:0011086, OMIM 601457.

Allele frequency attached by ClinVar (database versions not stated): gnomAD exomes 0.00001 and 0.00002; ExAC 0.00002; gnomAD 0.00002; TOPMed 0.00003; ESP Exome Variant Server 0.00008.
gnomAD v4.1: 19 of 1,613,994 alleles (0.0012%); highest among the groups gnomAD compares: African/African-American, 0.012%; no homozygotes.

Submissions (4):

Labcorp Genetics (formerly Invitae), Labcorp
Classification: Uncertain significance for Combined immunodeficiency with skin granulomas; Severe combined immunodeficiency, autosomal recessive, T cell-negative, B cell-negative, NK cell-positive. Last evaluated: 2025-08-31. Review status: criteria provided, single submitter. Criteria: Invitae Variant Classification Sherloc (09022015). Collection method: clinical testing. Allele origin: germline.
Comment: This sequence change replaces asparagine, which is neutral and polar, with serine, which is neutral and polar, at codon 268 of the RAG2 protein (p.Asn268Ser). This variant is present in population databases (rs368935791, gnomAD 0.01%). This variant has not been reported in the literature in individuals affected with RAG2-related conditions. ClinVar contains an entry for this variant (Variation ID: 877896). Invitae Evidence Modeling of protein sequence and biophysical properties (such as structural, functional, and spatial information, amino acid conservation, physicochemical variation, residue mobility, and thermodynamic stability) indicates that this missense variant is not expected to disrupt RAG2 protein function with a negative predictive value of 95%. In summary, the available evidence is currently insufficient to determine the role of this variant in disease. Therefore, it has been classified as a Variant of Uncertain Significance.

Ambry Genetics
Classification: Uncertain significance for Inborn genetic diseases. Last evaluated: 2023-04-06. Review status: criteria provided, single submitter. Criteria: Ambry Variant Classification Scheme 2023. Collection method: clinical testing. Allele origin: germline.

Illumina Laboratory Services, Illumina
Classification: Uncertain significance for Severe combined immunodeficiency, autosomal recessive, T cell-negative, B cell-negative, NK cell-positive. Last evaluated: 2017-04-27. Review status: criteria provided, single submitter. Criteria: ICSL Variant Classification Criteria 13 December 2019. Collection method: clinical testing. Allele origin: germline.

Illumina Laboratory Services, Illumina
Classification: Uncertain significance for Histiocytic medullary reticulosis. Last evaluated: 2017-04-27. Review status: criteria provided, single submitter. Criteria: ICSL Variant Classification Criteria 13 December 2019. Collection method: clinical testing. Allele origin: germline.